The following is an entry in ClinVar:

ClinVar aggregate classification (germline): Uncertain significance. Review status: criteria provided, multiple submitters, no conflicts (2 of 4 stars). 2 submissions from 2 submitters: Uncertain significance (2). Last evaluated 2025-01-20.

Conditions:
Inborn genetic diseases. Identifiers: MedGen C0950123, MeSH D030342.
Aicardi-Goutieres syndrome 6 (AGS6). Identifiers: Orphanet 51, MedGen C3539013, MONDO:0014007, OMIM 615010.
Symmetrical dyschromatosis of extremities (DSH). Also called: RETICULATE ACROPIGMENTATION OF DOHI; SYMMETRIC DYSCHROMATOSIS OF THE EXTREMITIES; Dyschromatosis symmetrica hereditaria; DYSCHROMATOSIS SYMMETRICA HEREDITARIA 1. Identifiers: Orphanet 41, MedGen C0406775, MONDO:0007483, OMIM 127400.

Allele frequency attached by ClinVar (database versions not stated): gnomAD 0.00001; gnomAD exomes 0.00001; ExAC 0.00002.
gnomAD v4.1: 18 of 1,613,836 alleles (0.0011%); highest among the groups gnomAD compares: Non-Finnish European, 0.0015%; no homozygotes.

Submissions (2):

Ambry Genetics
Classification: Uncertain significance for Inborn genetic diseases. Last evaluated: 2025-01-20. Review status: criteria provided, single submitter. Criteria: Ambry Variant Classification Scheme 2023. Collection method: clinical testing. Allele origin: germline.

Labcorp Genetics (formerly Invitae), Labcorp
Classification: Uncertain significance for Aicardi-Goutieres syndrome 6; Symmetrical dyschromatosis of extremities. Last evaluated: 2025-01-13. Review status: criteria provided, single submitter. Criteria: Invitae Variant Classification Sherloc (09022015). Collection method: clinical testing. Allele origin: germline.
Comment: This sequence change replaces arginine, which is basic and polar, with glutamine, which is neutral and polar, at codon 1150 of the ADAR protein (p.Arg1150Gln). This variant is present in population databases (rs779950072, gnomAD 0.002%). This variant has not been reported in the literature in individuals affected with ADAR-related conditions. ClinVar contains an entry for this variant (Variation ID: 1011096). Invitae Evidence Modeling of protein sequence and biophysical properties (such as structural, functional, and spatial information, amino acid conservation, physicochemical variation, residue mobility, and thermodynamic stability) indicates that this missense variant is not expected to disrupt ADAR protein function with a negative predictive value of 80%. In summary, the available evidence is currently insufficient to determine the role of this variant in disease. Therefore, it has been classified as a Variant of Uncertain Significance.

NM_001111.5(ADAR):c.3449G>A (p.Arg1150Gln)

Gene: ADAR (adenosine deaminase RNA specific; minus strand). Cytogenetic location: 1q21.3.
Variant type: single nucleotide variant.
Coding change: c.3449G>A on transcript NM_001111.5 (MANE Select); coding-DNA position 3449, G replaced by A.
Protein change: p.Arg1150Gln; replaces arginine 1150 with glutamine.
Molecular consequence: missense variant.
Genome position (GRCh38, 1-based): chr1:154,585,038, C>T on the plus strand (G>A on the coding strand, the complement: ADAR is on the minus strand). VCF-style: chr1-154585038-C-T. GRCh37 (hg19) VCF-style: chr1-154557514-C-T.
Other names: c.2564G>A, p.Arg855Gln (NM_001025107.3, NM_001193495.2, NM_001365046.1 and 2 more transcripts); c.3476G>A, p.Arg1159Gln (NM_001365045.1); c.2486G>A, p.Arg829Gln (NM_001365049.1); c.3371G>A, p.Arg1124Gln (NM_015840.4); c.3314G>A, p.Arg1105Gln (NM_015841.4); c.3449G>A (NM_001111.4); short protein forms R1105Q, R1124Q, R1150Q, R1159Q, R829Q, R855Q.
Identifiers: ClinVar variation 1011096 (VCV001011096.9), dbSNP rs779950072, ClinGen allele CA1130934.